The following is an entry in ClinVar:

ClinVar aggregate classification (germline): Likely pathogenic (1 of 4 stars; one submission).

Conditions:
Early-infantile DEE. Also called: Ohtahara syndrome; Early infantile epileptic encephalopathy with suppression bursts; Early infantile epileptic encephalopathy. Identifiers: Orphanet 1934, MedGen C0393706, MONDO:0800491.

Submission:

Labcorp Genetics (formerly Invitae), Labcorp
Classification: Likely pathogenic for Early-infantile DEE. Last evaluated: 2023-06-11. Review status: criteria provided, single submitter. Criteria: Invitae Variant Classification Sherloc (09022015). Collection method: clinical testing. Allele origin: germline.
Comment: Algorithms developed to predict the effect of sequence changes on RNA splicing suggest that this variant may disrupt the consensus splice site. In summary, the currently available evidence indicates that the variant is pathogenic, but additional data are needed to prove that conclusively. Therefore, this variant has been classified as Likely Pathogenic. ClinVar contains an entry for this variant (Variation ID: 1066324). This variant has not been reported in the literature in individuals affected with SCN1A-related conditions. This variant is not present in population databases (gnomAD no frequency). This sequence change affects an acceptor splice site in intron 5 of the SCN1A gene. It is expected to disrupt RNA splicing. Variants that disrupt the donor or acceptor splice site typically lead to a loss of protein function (PMID: 16199547), and loss-of-function variants in SCN1A are known to be pathogenic (PMID: 17347258, 18930999).

Literature cited by the submitters: PubMed 16199547; PubMed 17347258; PubMed 18930999.

NM_001165963.4(SCN1A):c.695-2A>G

Gene: SCN1A (sodium voltage-gated channel alpha subunit 1; minus strand). Cytogenetic location: 2q24.3.
Variant type: single nucleotide variant.
Coding change: c.695-2A>G on transcript NM_001165963.4 (MANE Select); the canonical splice acceptor site of the intron before coding-DNA position 695, A replaced by G.
Molecular consequence: splice acceptor variant.
Genome position (GRCh38, 1-based): chr2:166,051,990, T>C on the plus strand (A>G on the coding strand, the complement: SCN1A is on the minus strand). VCF-style: chr2-166051990-T-C. GRCh37 (hg19) VCF-style: chr2-166908500-T-C.
Other names: c.695-2A>G (NM_001353949.2, NM_001353958.2, NM_001353950.2 and 10 more transcripts); c.-1731-2A>G (NM_001353961.2).
Identifiers: ClinVar variation 1066324 (VCV001066324.6), dbSNP rs2105890879, ClinGen allele CA349073907.